The following is an entry in ClinVar:

NM_000051.4(ATM):c.911A>G (p.Glu304Gly)

Gene: ATM (ATM serine/threonine kinase; plus strand). Cytogenetic location: 11q22.3.
Variant type: single nucleotide variant.
Coding change: c.911A>G on transcript NM_000051.4 (MANE Select); coding-DNA position 911, A replaced by G.
Protein change: p.Glu304Gly; replaces glutamic acid 304 with glycine.
Molecular consequence: missense variant.
Genome position (GRCh38, 1-based): chr11:108,246,973, A>G. VCF-style: chr11-108246973-A-G. GRCh37 (hg19) VCF-style: chr11-108117700-A-G.
Other names: c.911A>G, p.Glu304Gly (NM_001351834.2); short protein forms E304G.
Identifiers: ClinVar variation 2453960 (VCV002453960.2), dbSNP rs2135264712, ClinGen allele CA382530484.

ClinVar aggregate classification (germline): Uncertain significance (1 of 4 stars; one submission).

Conditions:
Hereditary cancer-predisposing syndrome. Also called: Neoplastic Syndromes, Hereditary; Hereditary neoplastic syndrome; Tumor predisposition; Hereditary Cancer Syndrome. Identifiers: Orphanet 140162, MedGen C0027672, MeSH D009386, MONDO:0015356.

Submission:

Ambry Genetics
Classification: Uncertain significance for Hereditary cancer-predisposing syndrome. Last evaluated: 2023-01-12. Review status: criteria provided, single submitter. Criteria: Ambry Variant Classification Scheme 2023. Collection method: clinical testing. Allele origin: germline.
Comment: The p.E304G variant (also known as c.911A>G), located in coding exon 7 of the ATM gene, results from an A to G substitution at nucleotide position 911. The glutamic acid at codon 304 is replaced by glycine, an amino acid with similar properties. This amino acid position is conserved. In addition, this alteration is predicted to be tolerated by in silico analysis. Since supporting evidence is limited at this time, the clinical significance of this alteration remains unclear.